The following is an entry in ClinVar:

ClinVar aggregate classification (germline): Uncertain significance (1 of 4 stars; one submission).

Conditions:
Long QT syndrome (LQTS). Identifiers: MedGen C0023976, MeSH D008133, MONDO:0002442. Disease mechanism: loss of function. Inheritance: Various modes of inheritance.

Allele frequency attached by ClinVar (database versions not stated): gnomAD exomes below 0.00001; TOPMed below 0.00001.
gnomAD v4.1: 1 of 1,571,952 alleles (0.000064%); highest among the groups gnomAD compares: Non-Finnish European, 0.000087%; no homozygotes.

Submission:

Labcorp Genetics (formerly Invitae), Labcorp
Classification: Uncertain significance for Long QT syndrome. Last evaluated: 2025-12-01. Review status: criteria provided, single submitter. Criteria: Invitae Variant Classification Sherloc (09022015). Collection method: clinical testing. Allele origin: germline.
Comment: This sequence change falls in intron 18 of the CACNA1C gene. It does not directly change the encoded amino acid sequence of the CACNA1C protein. It affects a nucleotide within the consensus splice site. This variant is not present in population databases (gnomAD no frequency). This variant has not been reported in the literature in individuals affected with CACNA1C-related conditions. ClinVar contains an entry for this variant (Variation ID: 1026623). Variants that disrupt the consensus splice site are a relatively common cause of aberrant splicing (PMID: 17576681, 9536098). Algorithms developed to predict the effect of sequence changes on RNA splicing suggest that this variant is not likely to affect RNA splicing. In summary, the available evidence is currently insufficient to determine the role of this variant in disease. Therefore, it has been classified as a Variant of Uncertain Significance.

Literature cited by the submitters: PubMed 17576681; PubMed 9536098.

NM_000719.7(CACNA1C):c.2530+5C>T

Gene: CACNA1C (calcium voltage-gated channel subunit alpha1 C; plus strand). Cytogenetic location: 12p13.33.
Variant type: single nucleotide variant.
Coding change: c.2530+5C>T on transcript NM_000719.7 (MANE Select); 5 bases into the intron after coding-DNA position 2530, C replaced by T.
Molecular consequence: intron variant.
Genome position (GRCh38, 1-based): chr12:2,585,909, C>T. VCF-style: chr12-2585909-C-T. GRCh37 (hg19) VCF-style: chr12-2695075-C-T.
Other names: c.2530+5C>T (NM_001167624.3, NM_001167623.2, NM_001167625.2 and 18 more transcripts); c.2521+5C>T (NM_001129844.2).
Identifiers: ClinVar variation 1026623 (VCV001026623.9), dbSNP rs1215984072, ClinGen allele CA602711314.